The following is an entry in ClinVar:

NM_001130144.3(LTBP3):c.1801T>C (p.Cys601Arg)

Gene: LTBP3 (latent transforming growth factor beta binding protein 3; minus strand). Cytogenetic location: 11q13.1.
Variant type: single nucleotide variant.
Coding change: c.1801T>C on transcript NM_001130144.3 (MANE Select); coding-DNA position 1801, T replaced by C.
Protein change: p.Cys601Arg; replaces cysteine 601 with arginine.
Molecular consequence: missense variant.
Genome position (GRCh38, 1-based): chr11:65,547,965, A>G on the plus strand (T>C on the coding strand, the complement: LTBP3 is on the minus strand). VCF-style: chr11-65547965-A-G. GRCh37 (hg19) VCF-style: chr11-65315436-A-G.
Other names: c.1450T>C, p.Cys484Arg (NM_001164266.1); c.1801T>C, p.Cys601Arg (NM_021070.4); short protein forms C484R, C601R.
Identifiers: ClinVar variation 1998004 (VCV001998004.4), dbSNP rs1856450755, ClinGen allele CA381271909.
Genomic context (GRCh38, chr11:65,547,965, plus strand): 5'-CTGCCCTGCGCTCACCCACGCAGTAGCGGTGCTGGGGATGTGACCGGTAGCCGGGGTTGC[A>G]GTGGCAGGAGTAGTCAGGGGGGCCCGGCACGCACTCTCCGTGGCCACAGATGTTCTGGTT-3'
Protein context (NP_001123616.1, residues 591-611): VPGPPDYSCH[Cys601Arg]NPGYRSHPQH

ClinVar aggregate classification (germline): Uncertain significance (1 of 4 stars; one submission).

Conditions:
Brachyolmia-amelogenesis imperfecta syndrome. Also called: PLATYSPONDYLY WITH AMELOGENESIS IMPERFECTA; Tooth agenesis, selective, 6; Dental anomalies and short stature. Identifiers: Orphanet 2899, MedGen C1832594, MONDO:0011018, OMIM 601216. Disease mechanism: loss of function.

Allele frequency attached by ClinVar (database versions not stated): gnomAD 0.00001.
gnomAD v4.1: 1 of 1,613,734 alleles (0.000062%); highest among the groups gnomAD compares: East Asian, 0.0022%; no homozygotes.

Submission:

Labcorp Genetics (formerly Invitae), Labcorp
Classification: Uncertain significance for Brachyolmia-amelogenesis imperfecta syndrome. Last evaluated: 2022-05-22. Review status: criteria provided, single submitter. Criteria: Invitae Variant Classification Sherloc (09022015). Collection method: clinical testing. Allele origin: germline.
Comment: Algorithms developed to predict the effect of missense changes on protein structure and function are either unavailable or do not agree on the potential impact of this missense change (SIFT: "Deleterious"; PolyPhen-2: "Possibly Damaging"; Align-GVGD: "Class C0"). In summary, the available evidence is currently insufficient to determine the role of this variant in disease. Therefore, it has been classified as a Variant of Uncertain Significance. This variant has not been reported in the literature in individuals affected with LTBP3-related conditions. This variant is not present in population databases (gnomAD no frequency). This sequence change replaces cysteine, which is neutral and slightly polar, with arginine, which is basic and polar, at codon 601 of the LTBP3 protein (p.Cys601Arg).